The following is an entry in ClinVar:

ClinVar aggregate classification (germline): Uncertain significance (1 of 4 stars; one submission).

Conditions:
Hyperaldosteronism, familial, type IV (HALD4). Also called: FH IV; ALDOSTERONISM, PRIMARY, AND HYPERTENSION. Identifiers: Orphanet 642671, MedGen C4310756, MONDO:0014875, OMIM 617027.
Idiopathic generalized epilepsy. Also called: EIG; Generalised epilepsy. Identifiers: MedGen C0270850, MONDO:0005579, OMIM 600669.

Allele frequency attached by ClinVar (database versions not stated): gnomAD exomes below 0.00001.
gnomAD v4.1: 6 of 1,586,076 alleles (0.00038%); highest among the groups gnomAD compares: Non-Finnish European, 0.00051%; no homozygotes.

Submission:

Labcorp Genetics (formerly Invitae), Labcorp
Classification: Uncertain significance for Idiopathic generalized epilepsy; Hyperaldosteronism, familial, type IV. Last evaluated: 2022-12-11. Review status: criteria provided, single submitter. Criteria: Invitae Variant Classification Sherloc (09022015). Collection method: clinical testing. Allele origin: germline.
Comment: In summary, the available evidence is currently insufficient to determine the role of this variant in disease. Therefore, it has been classified as a Variant of Uncertain Significance. Algorithms developed to predict the effect of missense changes on protein structure and function (SIFT, PolyPhen-2, Align-GVGD) all suggest that this variant is likely to be disruptive. This variant has not been reported in the literature in individuals affected with CACNA1H-related conditions. This variant is not present in population databases (gnomAD no frequency). This sequence change replaces leucine, which is neutral and non-polar, with proline, which is neutral and non-polar, at codon 889 of the CACNA1H protein (p.Leu889Pro).

NM_021098.3(CACNA1H):c.2666T>C (p.Leu889Pro)

Gene: CACNA1H (calcium voltage-gated channel subunit alpha1 H; plus strand). Cytogenetic location: 16p13.3.
Variant type: single nucleotide variant.
Coding change: c.2666T>C on transcript NM_021098.3 (MANE Select); coding-DNA position 2666, T replaced by C.
Protein change: p.Leu889Pro; replaces leucine 889 with proline.
Molecular consequence: missense variant.
Genome position (GRCh38, 1-based): chr16:1,206,166, T>C. VCF-style: chr16-1206166-T-C. GRCh37 (hg19) VCF-style: chr16-1256166-T-C.
Other names: c.2666T>C, p.Leu889Pro (NM_001005407.2); short protein forms L889P.
Identifiers: ClinVar variation 2939608 (VCV002939608.3), dbSNP rs2548672238, ClinGen allele CA394168811.